The following is an entry in ClinVar:

ClinVar aggregate classification (germline): Pathogenic (1 of 4 stars; one submission).

Conditions:
Immunodeficiency-centromeric instability-facial anomalies syndrome 2 (ICF2). Identifiers: Orphanet 2268, MedGen C3279748, MONDO:0013553, OMIM 614069.

Submission:

Labcorp Genetics (formerly Invitae), Labcorp
Classification: Pathogenic for Immunodeficiency-centromeric instability-facial anomalies syndrome 2. Last evaluated: 2023-06-23. Review status: criteria provided, single submitter. Criteria: Invitae Variant Classification Sherloc (09022015). Collection method: clinical testing. Allele origin: germline.
Comment: This sequence change creates a premature translational stop signal (p.Phe387Leufs*7) in the ZBTB24 gene. It is expected to result in an absent or disrupted protein product. Loss-of-function variants in ZBTB24 are known to be pathogenic (PMID: 21596365). For these reasons, this variant has been classified as Pathogenic. This variant has not been reported in the literature in individuals affected with ZBTB24-related conditions. This variant is not present in population databases (gnomAD no frequency).

Literature cited by the submitters: PubMed 21596365.

NM_014797.3(ZBTB24):c.1161del (p.Phe387fs)

Gene: ZBTB24 (zinc finger and BTB domain containing 24; minus strand). Cytogenetic location: 6q21.
Variant type: Deletion.
Coding change: c.1161del on transcript NM_014797.3 (MANE Select); coding-DNA position 1161, one base deleted (C; older notation c.1161delC).
Protein change: p.Phe387fs; shifts the reading frame from phenylalanine 387.
Molecular consequence: frameshift variant.
Genome position (GRCh38, 1-based): chr6:109,476,218, G deleted on the plus strand (C on the coding strand, the reverse complement: ZBTB24 is on the minus strand). VCF-style (leftmost placement, unchanged base first): chr6-109476217-TG-T. GRCh37 (hg19) VCF-style: chr6-109797420-TG-T.
Other names: short protein forms F387fs.
Identifiers: ClinVar variation 2725726 (VCV002725726.3), dbSNP rs2482870790, ClinGen allele CA2697553634.
Genomic context (GRCh38, chr6:109,476,217, plus strand): 5'-GTTCTCACTTTATCGTACCTGTATGAACTCGGTAATGGCTCTTTAGCTGTCTGTTCTGGC[TG>T]AAATATTTTCCGCATTGATCACAGGTAAAAGACTTCTGTCCTGCCAAAAAAACCAAAACA-3'